The following is an entry in ClinVar:

NM_001163435.3(TBCK):c.782+5_782+6delinsGG

Gene: TBCK (TBC1 domain containing kinase; minus strand). Cytogenetic location: 4q24.
Variant type: Indel.
Coding change: c.782+5_782+6delinsGG on transcript NM_001163435.3 (MANE Select); bases 5 to 6 of the intron after coding-DNA position 782, AT replaced by GG.
Molecular consequence: intron variant.
Genome position (GRCh38, 1-based): chr4:106,248,239-106,248,240, AT replaced by CC on the plus strand (AT replaced by GG on the coding strand, the reverse complement: TBCK is on the minus strand). VCF-style: chr4-106248239-AT-CC. GRCh37 (hg19) VCF-style: chr4-107169396-AT-CC.
Other names: c.782+5_782+6delinsGG (NM_001163436.4); c.593+5_593+6delinsGG (NM_033115.5); c.665+5_665+6delinsGG (NM_001163437.3); c.266+5_266+6delinsGG (NM_001290768.2).
Identifiers: ClinVar variation 1405671 (VCV001405671.6), dbSNP rs2150053429, ClinGen allele CA2573137933.

ClinVar aggregate classification (germline): Uncertain significance (1 of 4 stars; one submission).

Submission:

Labcorp Genetics (formerly Invitae), Labcorp
Classification: Uncertain significance. Last evaluated: 2021-01-29. Review status: criteria provided, single submitter. Criteria: Invitae Variant Classification Sherloc (09022015). Collection method: clinical testing. Allele origin: germline.
Comment: Nucleotide substitutions within the consensus splice site are a relatively common cause of aberrant splicing (PMID: 17576681, 9536098). Algorithms developed to predict the effect of sequence changes on RNA splicing suggest that this variant is not likely to affect RNA splicing, but this prediction has not been confirmed by published transcriptional studies. This sequence change falls in intron 9 of the TBCK gene. It does not directly change the encoded amino acid sequence of the TBCK protein. It affects a nucleotide within the consensus splice site of the intron. The frequency data for this variant in the population databases is not available, as this variant may be reported as separate entries in the ExAC database. This variant has not been reported in the literature in individuals with TBCK-related conditions. In summary, the available evidence is currently insufficient to determine the role of this variant in disease. Therefore, it has been classified as a Variant of Uncertain Significance.

Literature cited by the submitters: PubMed 17576681; PubMed 9536098.